The following is an entry in ClinVar:

ClinVar aggregate classification (germline): Uncertain significance. Review status: criteria provided, multiple submitters, no conflicts (2 of 4 stars). 3 submissions from 3 submitters: Uncertain significance (3). Last evaluated 2026-02-02.

Submissions (3):

Labcorp Genetics (formerly Invitae), Labcorp
Classification: Uncertain significance. Last evaluated: 2026-02-02. Review status: criteria provided, single submitter. Criteria: Invitae Variant Classification Sherloc (09022015). Collection method: clinical testing. Allele origin: germline.
Comment: This sequence change creates a premature translational stop signal (p.Val510delinsTyrHisAsn*) in the GUF1 gene. It is expected to result in an absent or disrupted protein product. However, the current clinical and genetic evidence is not sufficient to establish whether loss-of-function variants in GUF1 cause disease. This variant is present in population databases (rs773410288, gnomAD 0.09%), and has an allele count higher than expected for a pathogenic variant. This variant has not been reported in the literature in individuals affected with GUF1-related conditions. ClinVar contains an entry for this variant (Variation ID: 1374715). In summary, the available evidence is currently insufficient to determine the role of this variant in disease. Therefore, it has been classified as a Variant of Uncertain Significance.

Blueprint Genetics
Classification: Uncertain significance. Last evaluated: 2024-05-31. Review status: criteria provided, single submitter. Criteria: ACMG Guidelines, 2015. Collection method: clinical testing. Allele origin: germline.

Women's Health and Genetics/Laboratory Corporation of America, LabCorp
Classification: Uncertain significance. Last evaluated: 2022-12-23. Review status: criteria provided, single submitter. Criteria: LabCorp Variant Classification Summary - May 2015. Collection method: clinical testing. Allele origin: germline.
Comment: Variant summary: GUF1 c.1527_1528insTATCATAATTGATCAAAATAGA (p.Val510TyrfsX4) results in a premature termination codon, predicted to cause a truncation of the encoded protein or absence of the protein due to nonsense mediated decay. Currently available evidence are insufficient to determine whether loss-of-function variants in the GUF1 gene can cause disease. The variant allele was found at a frequency of 0.00036 in 240220 control chromosomes (gnomAD). This frequency is not higher than expected for a pathogenic variant in GUF1 causing Early Infantile Epileptic Encephalopathy, 40 (0.00036 vs 0.0011), allowing no conclusion about variant significance. To our knowledge, no occurrence of c.1527_1528ins22 in individuals affected with Early Infantile Epileptic Encephalopathy, 40 and no experimental evidence demonstrating its impact on protein function have been reported. One clinical diagnostic laboratory has submitted clinical-significance assessments for this variant to ClinVar after 2014 and classified the variant as uncertain significance. Based on the evidence outlined above, the variant was classified as uncertain significance.

NM_021927.3(GUF1):c.1527_1528insTATCATAATTGATCAAAATAGA (p.Val510delinsTyrHisAsnTer)

Gene: GUF1 (GTP binding elongation factor GUF1; plus strand). Cytogenetic location: 4p12.
Variant type: Insertion.
Coding change: c.1527_1528insTATCATAATTGATCAAAATAGA on transcript NM_021927.3 (MANE Select); coding-DNA positions 1527 to 1528, TATCATAATTGATCAAAATAGA inserted.
Protein change: p.Val510delinsTyrHisAsnTer.
Molecular consequence: nonsense.
Genome position: GRCh38 VCF-style: chr4-44691698-T-TATTGATCAAAATAGATATCATA. GRCh37 (hg19) VCF-style: chr4-44693715-T-TATTGATCAAAATAGATATCATA.
Other names: c.555_556insTATCATAATTGATCAAAATAGA, p.Val186delinsTyrHisAsnTer (NM_001345867.2, NM_001345869.2); c.1527_1528insTATCATAATTGATCAAAATAGA, p.Val510delinsTyrHisAsnTer (NM_001345868.2).
Identifiers: ClinVar variation 1374715 (VCV001374715.8), dbSNP rs773410288, ClinGen allele CA2905672.